The following is an entry in ClinVar:

ClinVar aggregate classification (germline): Likely benign. Review status: criteria provided, single submitter (1 of 4 stars). 3 submissions from 3 submitters: Likely benign (1). 2 of the submissions do not count toward it. Last evaluated 2025-08-21.

Conditions:
Bardet-Biedl syndrome (BBS). Identifiers: Orphanet 110, MedGen C0752166, MONDO:0015229.
Bardet-Biedl syndrome 10 (BBS10). Identifiers: Orphanet 110, MedGen C1859568, MONDO:0014438, OMIM 615987.
BBS10-related disorder. Also called: BBS10-related condition.

Allele frequency attached by ClinVar (database versions not stated): gnomAD exomes below 0.00001; gnomAD 0.00001; TOPMed 0.00002.

Submissions (3):

Labcorp Genetics (formerly Invitae), Labcorp
Classification: Likely benign for Bardet-Biedl syndrome. Last evaluated: 2025-08-21. Review status: criteria provided, single submitter. Criteria: Invitae Variant Classification Sherloc (09022015). Collection method: clinical testing. Allele origin: germline.

PreventionGenetics, part of Exact Sciences
Classification: Likely benign for BBS10-related condition. Last evaluated: 2022-04-12. Review status: no assertion criteria provided. Collection method: clinical testing. Allele origin: germline. Not counted in ClinVar's aggregate classification.
Comment: This variant is classified as likely benign based on ACMG/AMP sequence variant interpretation guidelines (Richards et al. 2015 PMID: 25741868, with internal and published modifications).

Natera, Inc.
Classification: Uncertain significance for Bardet-Biedl syndrome type 10. Last evaluated: 2020-11-18. Review status: no assertion criteria provided. Collection method: clinical testing. Allele origin: germline. Not counted in ClinVar's aggregate classification.

NM_024685.4(BBS10):c.2169A>G (p.Leu723=)

Gene: BBS10 (Bardet-Biedl syndrome 10; minus strand). Cytogenetic location: 12q21.2.
Variant type: single nucleotide variant.
Coding change: c.2169A>G on transcript NM_024685.4 (MANE Select); coding-DNA position 2169, A replaced by G.
Protein change: p.Leu723=; no amino-acid change (leucine 723 retained).
Molecular consequence: synonymous variant.
Genome position (GRCh38, 1-based): chr12:76,345,816, T>C on the plus strand (A>G on the coding strand, the complement: BBS10 is on the minus strand). VCF-style: chr12-76345816-T-C. GRCh37 (hg19) VCF-style: chr12-76739596-T-C.
Other names: c.2169A>G (NM_024685.3).
Identifiers: ClinVar variation 1035476 (VCV001035476.10), dbSNP rs1395342080, ClinGen allele CA481010547.